The following is an entry in ClinVar:

NM_000143.4(FH):c.539A>G (p.His180Arg)

Gene: FH (fumarate hydratase; minus strand). Cytogenetic location: 1q43.
Variant type: single nucleotide variant.
Coding change: c.539A>G on transcript NM_000143.4 (MANE Select); coding-DNA position 539, A replaced by G.
Protein change: p.His180Arg; replaces histidine 180 with arginine.
Molecular consequence: missense variant.
Genome position (GRCh38, 1-based): chr1:241,511,983, T>C on the plus strand (A>G on the coding strand, the complement: FH is on the minus strand). VCF-style: chr1-241511983-T-C. GRCh37 (hg19) VCF-style: chr1-241675283-T-C.
Other names: short protein forms H180R.
Identifiers: ClinVar variation 214432 (VCV000214432.16), dbSNP rs863224015, ClinGen allele CA324566.

ClinVar aggregate classification (germline): Pathogenic/Likely pathogenic. Review status: criteria provided, multiple submitters, no conflicts (2 of 4 stars). 2 submissions from 2 submitters: Pathogenic (1); Likely pathogenic (1). Last evaluated 2025-09-10.

Conditions:
Hereditary cancer-predisposing syndrome. Also called: Hereditary neoplastic syndrome; Neoplastic Syndromes, Hereditary; Tumor predisposition; Hereditary Cancer Syndrome. Identifiers: Orphanet 140162, MedGen C0027672, MeSH D009386, MONDO:0015356.

Submissions (2):

Labcorp Genetics (formerly Invitae), Labcorp
Classification: Likely pathogenic. Last evaluated: 2025-09-10. Review status: criteria provided, single submitter. Criteria: Invitae Variant Classification Sherloc (09022015). Collection method: clinical testing. Allele origin: germline.
Comment: This sequence change replaces histidine, which is basic and polar, with arginine, which is basic and polar, at codon 180 of the FH protein (p.His180Arg). This variant is not present in population databases (gnomAD no frequency). This missense change has been observed in individual(s) with hereditary leiomyomatosis and renal cell cancer and/or papillary renal cell carcinoma (PMID: 11865300, 23320739, 28300276; internal data). This variant is also known as c.410A>G, p.His137Arg. ClinVar contains an entry for this variant (Variation ID: 214432). Invitae Evidence Modeling of protein sequence and biophysical properties (such as structural, functional, and spatial information, amino acid conservation, physicochemical variation, residue mobility, and thermodynamic stability) indicates that this missense variant is expected to disrupt FH protein function with a positive predictive value of 95%. Experimental studies have shown that this missense change affects FH function (PMID: 21398687, 28300276). In summary, the currently available evidence indicates that the variant is pathogenic, but additional data are needed to prove that conclusively. Therefore, this variant has been classified as Likely Pathogenic.

Ambry Genetics
Classification: Pathogenic for Hereditary cancer-predisposing syndrome. Last evaluated: 2023-03-22. Review status: criteria provided, single submitter. Criteria: Ambry Variant Classification Scheme 2023. Collection method: clinical testing. Allele origin: germline.
Comment: The p.H180R pathogenic mutation (also known as c.539A>G), located in coding exon 4 of the FH gene, results from an A to G substitution at nucleotide position 539. The histidine at codon 180 is replaced by arginine, an amino acid with highly similar properties. This alteration has been described in several individuals with hereditary leiomyomatosis and renal cell cancer (HLRCC) (Gardie B, J. et al. Med. Genet. 2011 Apr; 48(4):226-34. Tomlinson IP, et al. Nat. Genet. 2002 Apr; 30(4):406-10. Behnes CL, et al. BMC Urol 2013 ; 13:3; Ambry internal data) and has demonstrated segregation in multiple affected relatives in one family (Ambry internal data). In addition, this alteration was shown to have a significant impact on fumarate hydratase enzymatic activity (Gardie B, J. et al. Med. Genet. 2011 Apr; 48(4):226-34. Tomlinson IP, et al. Nat. Genet. 2002 Apr; 30(4):406-10; Muller M et al. Clin Genet, 2017 Dec;92:606-615). This amino acid position is highly conserved in available vertebrate species. In addition, this alteration is predicted to be deleterious by in silico analysis. This variant was not reported in population-based cohorts in the Genome Aggregation Database (gnomAD). Based on the supporting evidence, this alteration is interpreted as a disease-causing mutation.

Literature cited by the submitters: PubMed 11865300 (cited by Labcorp Genetics (formerly Invitae), Labcorp and Ambry Genetics); PubMed 23320739 (cited by Labcorp Genetics (formerly Invitae), Labcorp and Ambry Genetics); PubMed 28300276 (cited by Labcorp Genetics (formerly Invitae), Labcorp and Ambry Genetics); PubMed 21398687 (cited by Labcorp Genetics (formerly Invitae), Labcorp and Ambry Genetics); PubMed 21445611 (cited by Ambry Genetics).